The following is an entry in ClinVar:

NM_022124.6(CDH23):c.9687T>G (p.Phe3229Leu)

Gene: CDH23 (cadherin related 23; plus strand). Cytogenetic location: 10q22.1.
Variant type: single nucleotide variant.
Coding change: c.9687T>G on transcript NM_022124.6 (MANE Select); coding-DNA position 9687, T replaced by G.
Protein change: p.Phe3229Leu; replaces phenylalanine 3229 with leucine.
Molecular consequence: missense variant. On other transcripts: intron variant (2).
Genome position (GRCh38, 1-based): chr10:71,813,297, T>G. VCF-style: chr10-71813297-T-G. GRCh37 (hg19) VCF-style: chr10-73573054-T-G.
Other names: c.9687T>G (NM_022124.5); c.2967T>G, p.Phe989Leu (NM_001171933.1); c.378T>G, p.Phe126Leu (NM_001171935.1); c.2913+407T>G (NM_001171934.1); c.324+407T>G (NM_001171936.1); short protein forms F126L, F3229L, F989L.
Identifiers: ClinVar variation 2159209 (VCV002159209.4), dbSNP rs1842004649, ClinGen allele CA377137313.

ClinVar aggregate classification (germline): Uncertain significance. Review status: criteria provided, multiple submitters, no conflicts (2 of 4 stars). 2 submissions from 2 submitters: Uncertain significance (2). Last evaluated 2026-01-26.

Allele frequency attached by ClinVar (database versions not stated): gnomAD exomes below 0.00001; gnomAD 0.00001; TOPMed 0.00002.
gnomAD v4.1: 3 of 1,551,540 alleles (0.00019%); highest among the groups gnomAD compares: Admixed American, 0.002%; no homozygotes.

Submissions (2):

GeneDx
Classification: Uncertain significance. Last evaluated: 2026-01-26. Review status: criteria provided, single submitter. Criteria: GeneDx Variant Classification Process June 2021. Collection method: clinical testing. Allele origin: germline.
Comment: Not observed at significant frequency in large population cohorts (gnomAD); In silico analysis suggests that this missense variant does not alter protein structure/function; Has not been previously published as pathogenic or benign to our knowledge

Labcorp Genetics (formerly Invitae), Labcorp
Classification: Uncertain significance. Last evaluated: 2023-06-13. Review status: criteria provided, single submitter. Criteria: Invitae Variant Classification Sherloc (09022015). Collection method: clinical testing. Allele origin: germline.
Comment: This sequence change replaces phenylalanine, which is neutral and non-polar, with leucine, which is neutral and non-polar, at codon 3229 of the CDH23 protein (p.Phe3229Leu). In summary, the available evidence is currently insufficient to determine the role of this variant in disease. Therefore, it has been classified as a Variant of Uncertain Significance. Advanced modeling of protein sequence and biophysical properties (such as structural, functional, and spatial information, amino acid conservation, physicochemical variation, residue mobility, and thermodynamic stability) performed at Invitae indicates that this missense variant is not expected to disrupt CDH23 protein function. ClinVar contains an entry for this variant (Variation ID: 2159209). This variant has not been reported in the literature in individuals affected with CDH23-related conditions. This variant is not present in population databases (gnomAD no frequency).